The following is an entry in ClinVar:

NM_001377137.1(GBF1):c.2244C>T (p.Asp748=)

Gene: GBF1 (golgi brefeldin A resistant guanine nucleotide exchange factor 1; plus strand). Cytogenetic location: 10q24.32.
Variant type: single nucleotide variant.
Coding change: c.2244C>T on transcript NM_001377137.1 (MANE Select); coding-DNA position 2244, C replaced by T.
Protein change: p.Asp748=; no amino-acid change (aspartic acid 748 retained).
Molecular consequence: synonymous variant. On other transcripts: non-coding transcript variant (5).
Genome position (GRCh38, 1-based): chr10:102,365,534, C>T. VCF-style: chr10-102365534-C-T. GRCh37 (hg19) VCF-style: chr10-104125291-C-T.
Other names: p.Asp747=; c.2244C>T, p.Asp748= (NM_001199378.2, NM_001391923.1); c.2241C>T, p.Asp747= (NM_001199379.2, NM_001377141.1, NM_001391924.1 and 4 more transcripts); c.2205C>T, p.Asp735= (NM_001377138.1, NM_001391925.1); c.1947C>T, p.Asp649= (NM_001377139.1, NM_001377140.1); c.2340C>T, p.Asp780= (NM_001391922.1, NM_001411027.1); c.2208C>T, p.Asp736= (NM_001391926.1); c.2100C>T, p.Asp700= (NM_001391928.1); and 2 more.
Identifiers: ClinVar variation 4683546 (VCV004683546.1).

ClinVar aggregate classification (germline): Likely benign (1 of 4 stars; one submission).

gnomAD v4.1: 30 of 1,614,116 alleles (0.0019%); highest among the groups gnomAD compares: Non-Finnish European, 0.0025%; no homozygotes.

Submission:

Mayo Clinic Laboratories, Mayo Clinic
Classification: Likely benign. Last evaluated: 2025-05-27. Review status: criteria provided, single submitter. Criteria: ACMG Guidelines, 2015. Collection method: clinical testing. Allele origin: germline. Observed: 1 variant allele.
Comment: BP4, BP7